The following is an entry in ClinVar:

ClinVar aggregate classification (germline): Uncertain significance (1 of 4 stars; one submission).

Submission:

Labcorp Genetics (formerly Invitae), Labcorp
Classification: Uncertain significance. Last evaluated: 2024-04-30. Review status: criteria provided, single submitter. Criteria: Invitae Variant Classification Sherloc (09022015). Collection method: clinical testing. Allele origin: germline.
Comment: This sequence change replaces tyrosine, which is neutral and polar, with cysteine, which is neutral and slightly polar, at codon 124 of the RNF31 protein (p.Tyr124Cys). This variant is not present in population databases (gnomAD no frequency). This variant has not been reported in the literature in individuals affected with RNF31-related conditions. An algorithm developed to predict the effect of missense changes on protein structure and function (PolyPhen-2) suggests that this variant is likely to be disruptive. In summary, the available evidence is currently insufficient to determine the role of this variant in disease. Therefore, it has been classified as a Variant of Uncertain Significance.

NM_017999.5(RNF31):c.371A>G (p.Tyr124Cys)

Gene: RNF31 (ring finger protein 31; plus strand). Cytogenetic location: 14q12.
Variant type: single nucleotide variant.
Coding change: c.371A>G on transcript NM_017999.5 (MANE Select); coding-DNA position 371, A replaced by G.
Protein change: p.Tyr124Cys; replaces tyrosine 124 with cysteine.
Molecular consequence: missense variant. On other transcripts: 5 prime UTR variant (1).
Genome position (GRCh38, 1-based): chr14:24,148,289, A>G. VCF-style: chr14-24148289-A-G. GRCh37 (hg19) VCF-style: chr14-24617498-A-G.
Other names: c.-147A>G (NM_001310332.2); short protein forms Y124C.
Identifiers: ClinVar variation 3672685 (VCV003672685.2).